The following is an entry in ClinVar:

NM_001037.5(SCN1B):c.207+14G>A

Gene: SCN1B (sodium voltage-gated channel beta subunit 1; plus strand). Cytogenetic location: 19q13.11.
Variant type: single nucleotide variant.
Coding change: c.207+14G>A on transcript NM_001037.5 (MANE Select); 14 bases into the intron after coding-DNA position 207, G replaced by A.
Molecular consequence: intron variant.
Genome position (GRCh38, 1-based): chr19:35,032,708, G>A. VCF-style: chr19-35032708-G-A. GRCh37 (hg19) VCF-style: chr19-35523612-G-A.
Other names: c.207+14G>A (NM_199037.5); c.108+14G>A (NM_001321605.2).
Identifiers: ClinVar variation 138990 (VCV000138990.16), dbSNP rs16969924, ClinGen allele CA293205.
Genomic context (GRCh38, chr19:35,032,708, plus strand): 5'-TCACCGAGTGGACCTTCCGCCAGAAGGGCACTGAGGAGTTTGTCAAGGTGTGCGGGTGCC[G>A]GGAACGGGCATGGGAGGGCAGGGGTCCACGAGTGGGAGGCGGTGGGGCTGGATCTCAGGG-3'

ClinVar aggregate classification (germline): Benign. Review status: criteria provided, multiple submitters, no conflicts (2 of 4 stars). 8 submissions from 7 submitters: Benign (6). 2 of the submissions do not count toward it. Last evaluated 2026-02-03.

Conditions:
Brugada syndrome 5 (BRGDA5). Identifiers: Orphanet 130, Orphanet 871, MedGen C2748541, MONDO:0013015, OMIM 612838.
Generalized epilepsy with febrile seizures plus, type 1 (GEFSP1). Also called: GEFS+, TYPE 1. Identifiers: Orphanet 36387, MedGen C1858672, MONDO:0011416, OMIM 604233.

Allele frequency attached by ClinVar (database versions not stated): ExAC 0.00913; gnomAD 0.02860; TOPMed 0.03110; 1000 Genomes Project 0.03235; ESP Exome Variant Server 0.03260; 1000 Genomes Project 30x 0.03451.
gnomAD v4.1: 8,738 of 1,613,074 alleles (0.54%); highest among the groups gnomAD compares: African/African-American, 9.7%; 370 homozygotes.

Submissions (8):

Labcorp Genetics (formerly Invitae), Labcorp
Classification: Benign for Brugada syndrome 5. Last evaluated: 2026-02-03. Review status: criteria provided, single submitter. Criteria: Invitae Variant Classification Sherloc (09022015). Collection method: clinical testing. Allele origin: germline.

Women's Health and Genetics/Laboratory Corporation of America, LabCorp
Classification: Benign. Last evaluated: 2021-05-17. Review status: criteria provided, single submitter. Criteria: LabCorp Variant Classification Summary - May 2015. Collection method: clinical testing. Allele origin: germline.
Comment: Variant summary: SCN1B c.207+14G>A alters a nucleotide located close to a canonical splice site and therefore could affect mRNA splicing, leading to a significantly altered protein sequence. 4/4 computational tools predict no significant impact on normal splicing. However, these predictions have yet to be confirmed by functional studies. The variant allele was found at a frequency of 0.0074 in 250312 control chromosomes, predominantly at a frequency of 0.096 within the African or African-American subpopulation in the gnomAD database, including 69 homozygotes. The observed variant frequency within African or African-American control individuals in the gnomAD database is well above the estimated maximal expected allele frequency for a pathogenic variant in SCN1B causing Arrhythmia phenotype (1e-05), strongly suggesting that the variant is a benign polymorphism found primarily in populations of African or African-American origin. To our knowledge, no occurrence of c.207+14G>A in individuals affected with Arrhythmia and no experimental evidence demonstrating its impact on protein function have been reported. One clinical diagnostic laboratory has submitted clinical-significance assessments for this variant to ClinVar after 2014 without evidence for independent evaluation. One laboratory classified the variant as benign. Based on the evidence outlined above, the variant was classified as benign.

Illumina Laboratory Services, Illumina
Classification: Benign for Generalized epilepsy with febrile seizures plus, type 1. Last evaluated: 2018-01-13. Review status: criteria provided, single submitter. Criteria: ICSL Variant Classification Criteria 13 December 2019. Collection method: clinical testing. Allele origin: germline.
Comment: This variant was observed in the ICSL laboratory as part of a predisposition screen in an ostensibly healthy population. It had not been previously curated by ICSL or reported in the Human Gene Mutation Database (HGMD: prior to June 1st, 2018), and was therefore a candidate for classification through an automated scoring system. Utilizing variant allele frequency, disease prevalence and penetrance estimates, and inheritance mode, an automated score was calculated to assess if this variant is too frequent to cause the disease. Based on the score and internal cut-off values, a variant classified as benign is not then subjected to further curation. The score for this variant resulted in a classification of benign for this disease.

Illumina Laboratory Services, Illumina
Classification: Benign for Brugada syndrome 5. Last evaluated: 2018-01-13. Review status: criteria provided, single submitter. Criteria: ICSL Variant Classification Criteria 13 December 2019. Collection method: clinical testing. Allele origin: germline.
Comment: the same text as in the submission from Illumina Laboratory Services, Illumina above.

GeneDx
Classification: Benign. Last evaluated: 2012-04-02. Review status: criteria provided, single submitter. Criteria: GeneDx Variant Classification (06012015). Collection method: clinical testing. Allele origin: germline. Affected: yes.
Comment: This variant is considered likely benign or benign based on one or more of the following criteria: it is a conservative change, it occurs at a poorly conserved position in the protein, it is predicted to be benign by multiple in silico algorithms, and/or has population frequency not consistent with disease.

Breakthrough Genomics
Classification: Benign. Review status: criteria provided, single submitter. Criteria: ACMG Guidelines, 2015. Collection method: not provided. Allele origin: germline. Inheritance: Autosomal recessive inheritance. Affected: yes.

Clinical Genetics, Academic Medical Center
Classification: Benign. Review status: no assertion criteria provided. Collection method: clinical testing. Allele origin: germline. Affected: yes. Study: VKGL Data-share Consensus. Not counted in ClinVar's aggregate classification.

Genome Diagnostics Laboratory, University Medical Center Utrecht
Classification: Benign. Review status: no assertion criteria provided. Collection method: clinical testing. Allele origin: germline. Affected: yes. Study: VKGL Data-share Consensus. Not counted in ClinVar's aggregate classification.